The following is an entry in ClinVar:

NM_006343.3(MERTK):c.2719A>G (p.Thr907Ala)

Gene: MERTK (MER proto-oncogene, tyrosine kinase; plus strand). Cytogenetic location: 2q13.
Variant type: single nucleotide variant.
Coding change: c.2719A>G on transcript NM_006343.3 (MANE Select); coding-DNA position 2719, A replaced by G.
Protein change: p.Thr907Ala; replaces threonine 907 with alanine.
Molecular consequence: missense variant.
Genome position (GRCh38, 1-based): chr2:112,028,583, A>G. VCF-style: chr2-112028583-A-G. GRCh37 (hg19) VCF-style: chr2-112786160-A-G.
Other names: c.2719A>G (NM_006343.2); short protein forms T907A.
Identifiers: ClinVar variation 1897848 (VCV001897848.6), dbSNP rs1677517801, ClinGen allele CA348243486.

ClinVar aggregate classification (germline): Uncertain significance. Review status: criteria provided, multiple submitters, no conflicts (2 of 4 stars). 2 submissions from 2 submitters: Uncertain significance (2). Last evaluated 2025-03-28.

Conditions:
Inborn genetic diseases. Identifiers: MedGen C0950123, MeSH D030342.

Allele frequency attached by ClinVar (database versions not stated): TOPMed below 0.00001; gnomAD exomes 0.00001.
gnomAD v4.1: 5 of 1,613,924 alleles (0.00031%); highest among the groups gnomAD compares: South Asian, 0.0033%; no homozygotes.

Submissions (2):

Ambry Genetics
Classification: Uncertain significance for Inborn genetic diseases. Last evaluated: 2025-03-28. Review status: criteria provided, single submitter. Criteria: Ambry Variant Classification Scheme 2023. Collection method: clinical testing. Allele origin: germline.

Labcorp Genetics (formerly Invitae), Labcorp
Classification: Uncertain significance. Last evaluated: 2022-03-27. Review status: criteria provided, single submitter. Criteria: Invitae Variant Classification Sherloc (09022015). Collection method: clinical testing. Allele origin: germline.
Comment: This sequence change replaces threonine, which is neutral and polar, with alanine, which is neutral and non-polar, at codon 907 of the MERTK protein (p.Thr907Ala). In summary, the available evidence is currently insufficient to determine the role of this variant in disease. Therefore, it has been classified as a Variant of Uncertain Significance. Algorithms developed to predict the effect of missense changes on protein structure and function output the following: SIFT: "Tolerated"; PolyPhen-2: "Benign"; Align-GVGD: "Class C0". The alanine amino acid residue is found in multiple mammalian species, which suggests that this missense change does not adversely affect protein function. This variant has not been reported in the literature in individuals affected with MERTK-related conditions. This variant is not present in population databases (gnomAD no frequency).